The following is an entry in ClinVar:

NM_005535.3(IL12RB1):c.458G>A (p.Gly153Glu)

Gene: IL12RB1 (interleukin 12 receptor subunit beta 1; minus strand). Cytogenetic location: 19p13.11.
Variant type: single nucleotide variant.
Coding change: c.458G>A on transcript NM_005535.3 (MANE Select); coding-DNA position 458, G replaced by A.
Protein change: p.Gly153Glu; replaces glycine 153 with glutamic acid.
Molecular consequence: missense variant.
Genome position (GRCh38, 1-based): chr19:18,077,607, C>T on the plus strand (G>A on the coding strand, the complement: IL12RB1 is on the minus strand). VCF-style: chr19-18077607-C-T. GRCh37 (hg19) VCF-style: chr19-18188417-C-T.
Other names: c.458G>A, p.Gly153Glu (NM_001290023.2, NM_153701.3); c.578G>A, p.Gly193Glu (NM_001290024.2); short protein forms G153E, G193E.
Identifiers: ClinVar variation 642530 (VCV000642530.9), dbSNP rs1193767696, ClinGen allele CA404789540.

ClinVar aggregate classification (germline): Uncertain significance. Review status: criteria provided, multiple submitters, no conflicts (2 of 4 stars). 2 submissions from 2 submitters: Uncertain significance (2). Last evaluated 2023-12-18.

Conditions:
Inborn genetic diseases. Identifiers: MedGen C0950123, MeSH D030342.
Mendelian susceptibility to mycobacterial diseases due to complete IL12RB1 deficiency. Also called: IL12RB1 DEFICIENCY; Immunodeficiency 30. Identifiers: Orphanet 319552, MedGen C4013949, MONDO:0013955, OMIM 614891.

Allele frequency attached by ClinVar (database versions not stated): TOPMed below 0.00001.
gnomAD v4.1: 8 of 1,598,350 alleles (0.0005%); highest among the groups gnomAD compares: Non-Finnish European, 0.0006%; no homozygotes.

Submissions (2):

Ambry Genetics
Classification: Uncertain significance for Inborn genetic diseases. Last evaluated: 2023-12-18. Review status: criteria provided, single submitter. Criteria: Ambry Variant Classification Scheme 2023. Collection method: clinical testing. Allele origin: germline.

Labcorp Genetics (formerly Invitae), Labcorp
Classification: Uncertain significance for Mendelian susceptibility to mycobacterial diseases due to complete IL12RB1 deficiency. Last evaluated: 2022-08-23. Review status: criteria provided, single submitter. Criteria: Invitae Variant Classification Sherloc (09022015). Collection method: clinical testing. Allele origin: germline.
Comment: Algorithms developed to predict the effect of missense changes on protein structure and function are either unavailable or do not agree on the potential impact of this missense change (SIFT: "Deleterious"; PolyPhen-2: "Probably Damaging"; Align-GVGD: "Class C0"). ClinVar contains an entry for this variant (Variation ID: 642530). This variant has not been reported in the literature in individuals affected with IL12RB1-related conditions. This variant is present in population databases (no rsID available, gnomAD 0.0009%). This sequence change replaces glycine, which is neutral and non-polar, with glutamic acid, which is acidic and polar, at codon 153 of the IL12RB1 protein (p.Gly153Glu). In summary, the available evidence is currently insufficient to determine the role of this variant in disease. Therefore, it has been classified as a Variant of Uncertain Significance.